The following is an entry in ClinVar:

ClinVar aggregate classification (germline): Pathogenic (1 of 4 stars; one submission).

Conditions:
Familial adenomatous polyposis 4 (FAP4). Also called: MSH3-related attenuated familial adenomatous polyposis. Identifiers: Orphanet 480536, MedGen C4310719, MONDO:0044300, OMIM 617100.

Submission:

Myriad Genetics, Inc.
Classification: Pathogenic for Familial adenomatous polyposis 4. Last evaluated: 2023-08-31. Review status: criteria provided, single submitter. Criteria: Myriad Autosomal Dominant, Autosomal Recessive and X-Linked Classification Criteria (2023). Collection method: clinical testing. Allele origin: unknown.
Comment: This variant is considered pathogenic. This variant creates a frameshift predicted to result in premature protein truncation.

NM_002439.5(MSH3):c.3215del (p.Val1072fs)

Gene: MSH3 (mutS homolog 3; plus strand). Cytogenetic location: 5q14.1.
Variant type: Deletion.
Coding change: c.3215del on transcript NM_002439.5 (MANE Select); coding-DNA position 3215, one base deleted (T; older notation c.3215delT).
Protein change: p.Val1072fs; shifts the reading frame from valine 1072.
Molecular consequence: frameshift variant.
Genome position (GRCh38, 1-based): chr5:80,873,200, T deleted. VCF-style (leftmost placement, unchanged base first): chr5-80873199-GT-G. GRCh37 (hg19) VCF-style: chr5-80169018-GT-G.
Other names: short protein forms V1072fs.
Identifiers: ClinVar variation 2673562 (VCV002673562.1), dbSNP rs2478805082, ClinGen allele CA2695198694.
Genomic context (GRCh38, chr5:80,873,199, plus strand): 5'-TTTGTCACCTTCCTTTACCAAATAACTAGAGGAATTGCAGCAAGGAGTTATGGATTAAAT[GT>G]GGCTAAACTAGCAGATGTTCCTGGAGAAATTTTGAAGAAAGCAGCTCACAAGTCAAAAGA-3'